The following is an entry in ClinVar:

ClinVar aggregate classification (germline): Conflicting classifications of pathogenicity. Review status: criteria provided, conflicting classifications (1 of 4 stars). 4 submissions from 4 submitters: Uncertain significance (2); Likely benign (2). Last evaluated 2026-06-24.

Conditions:
ALPK3-related disorder. Also called: ALPK3-related condition.
Cardiovascular phenotype. Identifiers: MedGen CN230736.

Allele frequency attached by ClinVar (database versions not stated): gnomAD 0.00002.
gnomAD v4.1: 214 of 1,614,020 alleles (0.013%); highest among the groups gnomAD compares: Non-Finnish European, 0.018%; 1 homozygote.

Submissions (4):

PreventionGenetics, part of Exact Sciences
Classification: Uncertain significance for ALPK3-related condition. Last evaluated: 2026-06-24. Review status: criteria provided, single submitter. Criteria: ACMG Guidelines, 2015. Collection method: clinical testing. Allele origin: germline.
Comment: The ALPK3 c.4873G>T variant is predicted to result in the amino acid substitution p.Ala1625Ser. To our knowledge, this variant has not been reported in the literature. This variant is reported in 0.0026% of alleles in individuals of European (Non-Finnish) descent in gnomAD. At this time, the clinical significance of this variant is uncertain due to the absence of conclusive functional and genetic evidence.

Labcorp Genetics (formerly Invitae), Labcorp
Classification: Uncertain significance. Last evaluated: 2026-02-03. Review status: criteria provided, single submitter. Criteria: Invitae Variant Classification Sherloc (09022015). Collection method: clinical testing. Allele origin: germline.
Comment: This sequence change replaces alanine, which is neutral and non-polar, with serine, which is neutral and polar, at codon 1625 of the ALPK3 protein (p.Ala1625Ser). This variant is present in population databases (rs750010018, gnomAD 0.004%). This variant has not been reported in the literature in individuals affected with ALPK3-related conditions. ClinVar contains an entry for this variant (Variation ID: 1375328). Invitae Evidence Modeling of protein sequence and biophysical properties (such as structural, functional, and spatial information, amino acid conservation, physicochemical variation, residue mobility, and thermodynamic stability) indicates that this missense variant is expected to disrupt ALPK3 protein function with a positive predictive value of 80%. In summary, the available evidence is currently insufficient to determine the role of this variant in disease. Therefore, it has been classified as a Variant of Uncertain Significance.

Ambry Genetics
Classification: Likely benign for Cardiovascular phenotype. Last evaluated: 2025-05-23. Review status: criteria provided, single submitter. Criteria: Ambry Variant Classification Scheme 2023. Collection method: clinical testing. Allele origin: germline.

Blueprint Genetics
Classification: Likely benign. Last evaluated: 2024-11-21. Review status: criteria provided, single submitter. Criteria: ACMG Guidelines, 2015. Collection method: clinical testing. Allele origin: germline.

NM_020778.5(ALPK3):c.4267G>T (p.Ala1423Ser)

Gene: ALPK3 (alpha kinase 3; plus strand). Cytogenetic location: 15q25.3.
Variant type: single nucleotide variant.
Coding change: c.4267G>T on transcript NM_020778.5 (MANE Select); coding-DNA position 4267, G replaced by T.
Protein change: p.Ala1423Ser; replaces alanine 1423 with serine.
Molecular consequence: missense variant.
Genome position (GRCh38, 1-based): chr15:84,862,772, G>T. VCF-style: chr15-84862772-G-T. GRCh37 (hg19) VCF-style: chr15-85406003-G-T.
Other names: short protein forms A1423S.
Identifiers: ClinVar variation 1375328 (VCV001375328.11), dbSNP rs750010018, ClinGen allele CA7709911.